The following is an entry in ClinVar:

ClinVar aggregate classification (germline): Uncertain significance (1 of 4 stars; one submission).

Submission:

GeneDx
Classification: Uncertain significance. Last evaluated: 2026-01-28. Review status: criteria provided, single submitter. Criteria: GeneDx Variant Classification Process June 2021. Collection method: clinical testing. Allele origin: germline.
Comment: Not observed at significant frequency in large population cohorts (gnomAD); In silico analysis supports that this missense variant has a deleterious effect on protein structure/function; Has not been previously published as pathogenic or benign to our knowledge

NM_001379403.1(WDR26):c.796C>T (p.His266Tyr)

Gene: WDR26 (WD repeat domain 26; minus strand). Cytogenetic location: 1q42.12.
Variant type: single nucleotide variant.
Coding change: c.796C>T on transcript NM_001379403.1 (MANE Select); coding-DNA position 796, C replaced by T.
Protein change: p.His266Tyr; replaces histidine 266 with tyrosine.
Molecular consequence: missense variant.
Genome position (GRCh38, 1-based): chr1:224,431,708, G>A on the plus strand (C>T on the coding strand, the complement: WDR26 is on the minus strand). VCF-style: chr1-224431708-G-A. GRCh37 (hg19) VCF-style: chr1-224619410-G-A.
Other names: c.496C>T, p.His166Tyr (NM_001115113.3, NM_025160.7); short protein forms H166Y, H266Y.
Identifiers: ClinVar variation 4975756 (VCV004975756.1).